The following is an entry in ClinVar:

ClinVar aggregate classification (germline): Uncertain significance (1 of 4 stars; one submission).

Conditions:
Landau-Kleffner syndrome (FESD). Also called: APHASIA, ACQUIRED, WITH EPILEPSY; EPILEPSY, FOCAL, WITH SPEECH DISORDER AND WITH OR WITHOUT MENTAL RETARDATION. Identifiers: Orphanet 1945, Orphanet 725, Orphanet 98818, MedGen C0282512, MONDO:0009509, OMIM 245570.

Submission:

Labcorp Genetics (formerly Invitae), Labcorp
Classification: Uncertain significance for Landau-Kleffner syndrome. Last evaluated: 2023-08-17. Review status: criteria provided, single submitter. Criteria: Invitae Variant Classification Sherloc (09022015). Collection method: clinical testing. Allele origin: germline.
Comment: Advanced modeling of protein sequence and biophysical properties (such as structural, functional, and spatial information, amino acid conservation, physicochemical variation, residue mobility, and thermodynamic stability) has been performed at Invitae for this missense variant, however the output from this modeling did not meet the statistical confidence thresholds required to predict the impact of this variant on GRIN2A protein function. This variant has not been reported in the literature in individuals affected with GRIN2A-related conditions. This variant is not present in population databases (gnomAD no frequency). This sequence change replaces proline, which is neutral and non-polar, with histidine, which is basic and polar, at codon 1233 of the GRIN2A protein (p.Pro1233His). In summary, the available evidence is currently insufficient to determine the role of this variant in disease. Therefore, it has been classified as a Variant of Uncertain Significance.

NM_001134407.3(GRIN2A):c.3698C>A (p.Pro1233His)

Gene: GRIN2A (glutamate ionotropic receptor NMDA type subunit 2A; minus strand). Cytogenetic location: 16p13.2.
Variant type: single nucleotide variant.
Coding change: c.3698C>A on transcript NM_001134407.3 (MANE Select); coding-DNA position 3698, C replaced by A.
Protein change: p.Pro1233His; replaces proline 1233 with histidine.
Molecular consequence: missense variant.
Genome position (GRCh38, 1-based): chr16:9,763,846, G>T on the plus strand (C>A on the coding strand, the complement: GRIN2A is on the minus strand). VCF-style: chr16-9763846-G-T. GRCh37 (hg19) VCF-style: chr16-9857703-G-T.
Other names: c.3698C>A, p.Pro1233His (NM_000833.5, NM_001134408.2); short protein forms P1233H.
Identifiers: ClinVar variation 2751072 (VCV002751072.3), dbSNP rs2141130017, ClinGen allele CA394707057.